The following is an entry in ClinVar:

ClinVar aggregate classification (germline): Uncertain significance (1 of 4 stars; one submission).

Conditions:
Neurofibromatosis, type 1 (NF1). Also called: Peripheral type neurofibromatosis; Neurofibromatosis, type I; NEUROFIBROMATOSIS, TYPE I, SOMATIC; VON RECKLINGHAUSEN DISEASE. Identifiers: Orphanet 636, MedGen C0027831, MONDO:0018975, OMIM 162200. Disease mechanism: loss of function.

Submission:

Labcorp Genetics (formerly Invitae), Labcorp
Classification: Uncertain significance for Neurofibromatosis, type 1. Last evaluated: 2021-08-09. Review status: criteria provided, single submitter. Criteria: Invitae Variant Classification Sherloc (09022015). Collection method: clinical testing. Allele origin: germline.
Comment: This sequence change replaces valine with alanine at codon 153 of the NF1 protein (p.Val153Ala). The valine residue is moderately conserved and there is a small physicochemical difference between valine and alanine. This variant is not present in population databases (ExAC no frequency). This variant has not been reported in the literature in individuals affected with NF1-related conditions. Advanced modeling of protein sequence and biophysical properties (such as structural, functional, and spatial information, amino acid conservation, physicochemical variation, residue mobility, and thermodynamic stability) performed at Invitae indicates that this missense variant is expected to disrupt NF1 protein function. In summary, the available evidence is currently insufficient to determine the role of this variant in disease. Therefore, it has been classified as a Variant of Uncertain Significance.

NM_001042492.3(NF1):c.458T>C (p.Val153Ala)

Gene: NF1 (neurofibromin 1; plus strand). Cytogenetic location: 17q11.2.
Variant type: single nucleotide variant.
Coding change: c.458T>C on transcript NM_001042492.3 (MANE Select); coding-DNA position 458, T replaced by C.
Protein change: p.Val153Ala; replaces valine 153 with alanine.
Molecular consequence: missense variant.
Genome position (GRCh38, 1-based): chr17:31,163,355, T>C. VCF-style: chr17-31163355-T-C. GRCh37 (hg19) VCF-style: chr17-29490373-T-C.
Other names: c.458T>C, p.Val153Ala (NM_000267.4, NM_001128147.3); short protein forms V153A.
Identifiers: ClinVar variation 1373808 (VCV001373808.6), dbSNP rs2143673698, ClinGen allele CA398982116.